The following is an entry in ClinVar:

ClinVar aggregate classification (germline): Uncertain significance (1 of 4 stars; one submission).

Conditions:
Inborn genetic diseases. Identifiers: MedGen C0950123, MeSH D030342.

gnomAD v4.1: 4 of 1,614,024 alleles (0.00025%); highest among the groups gnomAD compares: Non-Finnish European, 0.00034%; no homozygotes.

Submission:

Ambry Genetics
Classification: Uncertain significance for Inborn genetic diseases. Last evaluated: 2025-01-14. Review status: criteria provided, single submitter. Criteria: Ambry Variant Classification Scheme 2023. Collection method: clinical testing. Allele origin: germline.
Comment: The p.N78S variant (also known as c.233A>G), located in coding exon 2 of the BMPR2 gene, results from an A to G substitution at nucleotide position 233. The asparagine at codon 78 is replaced by serine, an amino acid with highly similar properties. This amino acid position is conserved. In addition, the in silico prediction for this alteration is inconclusive. Based on the available evidence, the clinical significance of this variant remains unclear.

NM_001204.7(BMPR2):c.233A>G (p.Asn78Ser)

Gene: BMPR2 (bone morphogenetic protein receptor type 2; plus strand). Cytogenetic location: 2q33.1.
Variant type: single nucleotide variant.
Coding change: c.233A>G on transcript NM_001204.7 (MANE Select); coding-DNA position 233, A replaced by G.
Protein change: p.Asn78Ser; replaces asparagine 78 with serine.
Molecular consequence: missense variant.
Genome position (GRCh38, 1-based): chr2:202,464,965, A>G. VCF-style: chr2-202464965-A-G. GRCh37 (hg19) VCF-style: chr2-203329688-A-G.
Other names: short protein forms N78S.
Identifiers: ClinVar variation 3824840 (VCV003824840.1).